The following is an entry in ClinVar:

NM_017871.6(INTS11):c.28+1334G>A

Gene: INTS11 (integrator complex subunit 11; minus strand). Cytogenetic location: 1p36.33.
Variant type: single nucleotide variant.
Coding change: c.28+1334G>A on transcript NM_017871.6 (MANE Select); 1334 bases into the intron after coding-DNA position 28, G replaced by A.
Molecular consequence: intron variant. On other transcripts: 5 prime UTR variant (2), synonymous variant (1).
Genome position (GRCh38, 1-based): chr1:1,323,247, C>T on the plus strand (G>A on the coding strand, the complement: INTS11 is on the minus strand). VCF-style: chr1-1323247-C-T. GRCh37 (hg19) VCF-style: chr1-1258627-C-T.
Other names: c.-387G>A (NM_001256456.2); c.-126G>A (NM_001256460.2); c.69G>A, p.Pro23= (NM_001256462.2); c.28+1334G>A (NM_001256463.2).
Identifiers: ClinVar variation 4534016 (VCV004534016.6).

ClinVar aggregate classification (germline): Likely benign (1 of 4 stars; one submission).

gnomAD v4.1: 29 of 1,550,162 alleles (0.0019%); highest among the groups gnomAD compares: Admixed American, 0.018%; no homozygotes.

Submission:

CeGaT Center for Human Genetics Tuebingen
Classification: Likely benign. Last evaluated: 2025-10-01. Review status: criteria provided, single submitter. Criteria: CeGaT Center For Human Genetics Tuebingen Variant Classification Criteria Version 2. Collection method: clinical testing. Allele origin: germline. Affected: yes. Observed: 1 variant allele.
Comment: INTS11: BP4, BP7